The following is an entry in ClinVar:

NM_001754.5(RUNX1):c.1007T>G (p.Phe336Cys)

Gene: RUNX1 (RUNX family transcription factor 1; minus strand). Cytogenetic location: 21q22.12.
Variant type: single nucleotide variant.
Coding change: c.1007T>G on transcript NM_001754.5 (MANE Select); coding-DNA position 1007, T replaced by G.
Protein change: p.Phe336Cys; replaces phenylalanine 336 with cysteine.
Molecular consequence: missense variant.
Genome position (GRCh38, 1-based): chr21:34,792,571, A>C on the plus strand (T>G on the coding strand, the complement: RUNX1 is on the minus strand). VCF-style: chr21-34792571-A-C. GRCh37 (hg19) VCF-style: chr21-36164868-A-C.
Other names: NM_001754.5(RUNX1):c.1007T>G; p.Phe336Cys; c.926T>G, p.Phe309Cys (NM_001001890.3); short protein forms F336C, F309C.
Identifiers: ClinVar variation 2758444 (VCV002758444.4), dbSNP rs752745196, ClinGen allele CA410148642.

ClinVar aggregate classification (germline): Uncertain significance. Review status: reviewed by expert panel (3 of 4 stars). 2 submissions from 2 submitters: Uncertain significance (1). 1 of the submissions does not count toward it. Last evaluated 2025-01-15.

Conditions:
Hereditary thrombocytopenia and hematological cancer predisposition syndrome associated with RUNX1. Also called: Familial Platelet Disorder with Propensity to Acute Myelogenous Leukemia; Familial thrombocytopenia with propensity to acute myelogenous leukemia; PLATELET DISORDER, ASPIRIN-LIKE; RUNX1 Familial Platelet Disorder with Associated Myeloid Malignancies. Identifiers: Orphanet 71290, MedGen C1832388, MeSH C563324, MONDO:0100083, OMIM 601399.
Hereditary thrombocytopenia and hematologic cancer predisposition syndrome. Identifiers: Orphanet 71290, MedGen CN281654, MONDO:0011071.

Submissions (2):

ClinGen Myeloid Malignancy Variant Curation Expert Panel
Classification: Uncertain significance for Hereditary thrombocytopenia and hematologic cancer predisposition syndrome. Last evaluated: 2025-01-15. Review status: reviewed by expert panel. Criteria: ClinGen MyeloMalig ACMG Specifications v2. Collection method: curation. Allele origin: germline. Inheritance: Autosomal dominant inheritance.
Comment: NM_001754.5(RUNX1):c.1007T>G (p.Phe336Cys) is a missense variant, which is completely absent from all population databases with at least 20x coverage for RUNX1 (PM2_Supporting). In summary, the clinical significance of this variant is uncertain. ACMG/AMP criteria applied, as specified by the Myeloid Malignancy Variant Curation Expert Panel for RUNX1: PM2_Supporting

Labcorp Genetics (formerly Invitae), Labcorp
Classification: Uncertain significance for Hereditary thrombocytopenia and hematological cancer predisposition syndrome associated with RUNX1. Last evaluated: 2023-09-06. Review status: criteria provided, single submitter. Criteria: Invitae Variant Classification Sherloc (09022015). Collection method: clinical testing. Allele origin: germline. Not counted in ClinVar's aggregate classification.
Comment: This sequence change replaces phenylalanine, which is neutral and non-polar, with cysteine, which is neutral and slightly polar, at codon 336 of the RUNX1 protein (p.Phe336Cys). In summary, the available evidence is currently insufficient to determine the role of this variant in disease. Therefore, it has been classified as a Variant of Uncertain Significance. Advanced modeling of protein sequence and biophysical properties (such as structural, functional, and spatial information, amino acid conservation, physicochemical variation, residue mobility, and thermodynamic stability) has been performed at Invitae for this missense variant, however the output from this modeling did not meet the statistical confidence thresholds required to predict the impact of this variant on RUNX1 protein function. This variant has not been reported in the literature in individuals affected with RUNX1-related conditions. This variant is not present in population databases (gnomAD no frequency).